The following is an entry in ClinVar:

NM_199242.3(UNC13D):c.610A>G (p.Met204Val)

Gene: UNC13D (unc-13 homolog D; minus strand). Cytogenetic location: 17q25.1.
Variant type: single nucleotide variant.
Coding change: c.610A>G on transcript NM_199242.3 (MANE Select); coding-DNA position 610, A replaced by G.
Protein change: p.Met204Val; replaces methionine 204 with valine.
Molecular consequence: missense variant.
Genome position (GRCh38, 1-based): chr17:75,840,961, T>C on the plus strand (A>G on the coding strand, the complement: UNC13D is on the minus strand). VCF-style: chr17-75840961-T-C. GRCh37 (hg19) VCF-style: chr17-73837042-T-C.
Other names: p.Met204Val; short protein forms M204V.
Identifiers: ClinVar variation 574872 (VCV000574872.21), dbSNP rs144722609, ClinGen allele CA8773398.
Genomic context (GRCh38, chr17:75,840,961, plus strand): 5'-TCTCTCACCCCAGATCCCTTCCCTTCCCATCCCTAGGGGCAGGCCAGGTCACTCACCACA[T>C]GTCCAGATGAAAGCTCGCATTGGTGATGTCCTCAAACTCCCTGTATGGAGAAAAGGGCGT-3'
Protein context (NP_954712.1, residues 194-214): DITNASFHLD[Met204Val]WDLDTVESVR

ClinVar aggregate classification (germline): Conflicting classifications of pathogenicity. Review status: criteria provided, conflicting classifications (1 of 4 stars). 8 submissions from 8 submitters: Uncertain significance (7); Likely benign (1). Last evaluated 2025-08-18.

Conditions:
Familial hemophagocytic lymphohistiocytosis 3 (FHL3). Also called: UNC13D-Related Familial Hemophagocytic Lymphohistiocytosis (UNC13D-fHLH). Identifiers: Orphanet 540, MedGen C1837174, MONDO:0012146, OMIM 608898.

Allele frequency attached by ClinVar (database versions not stated): 1000 Genomes Project 30x 0.00031; 1000 Genomes Project 0.00040; ExAC 0.00058; gnomAD exomes 0.00064 and 0.00115; gnomAD 0.00080 and 0.00081; TOPMed 0.00088; ESP Exome Variant Server 0.00100.
gnomAD v4.1: 1,792 of 1,613,914 alleles (0.11%); highest among the groups gnomAD compares: Middle Eastern, 0.23%; 2 homozygotes.

Submissions (8):

Mayo Clinic Laboratories, Mayo Clinic
Classification: Uncertain significance. Last evaluated: 2025-08-18. Review status: criteria provided, single submitter. Criteria: ACMG Guidelines, 2015. Collection method: clinical testing. Allele origin: germline. Observed: 5 variant alleles.
Comment: BS1, BP4

Blueprint Genetics
Classification: Uncertain significance. Last evaluated: 2024-11-27. Review status: criteria provided, single submitter. Criteria: ACMG Guidelines, 2015. Collection method: clinical testing. Allele origin: germline.

GeneDx
Classification: Uncertain significance. Last evaluated: 2023-10-10. Review status: criteria provided, single submitter. Criteria: GeneDx Variant Classification Process June 2021. Collection method: clinical testing. Allele origin: germline. Affected: yes.
Comment: Identified in a patient with hemophagocytic lymphohistiocytosis who died from complications of fulminant encephalopathy in published literature, however, this patient also harbored a UNC13D nonsense and frameshift variant (Santoro et al., 2006); In silico analysis supports that this missense variant does not alter protein structure/function; This variant is associated with the following publications: (PMID: 18492689, 26764160, 32853466, 16825436)

Labcorp Genetics (formerly Invitae), Labcorp
Classification: Uncertain significance for Familial hemophagocytic lymphohistiocytosis 3. Last evaluated: 2022-10-25. Review status: criteria provided, single submitter. Criteria: Invitae Variant Classification Sherloc (09022015). Collection method: clinical testing. Allele origin: germline.
Comment: This sequence change replaces methionine, which is neutral and non-polar, with valine, which is neutral and non-polar, at codon 204 of the UNC13D protein (p.Met204Val). This variant is present in population databases (rs144722609, gnomAD 0.1%), and has an allele count higher than expected for a pathogenic variant. This missense change has been observed in individual(s) with hemophagocytic lymphohistiocytosis (PMID: 16825436, 18492689). ClinVar contains an entry for this variant (Variation ID: 574872). Advanced modeling of protein sequence and biophysical properties (such as structural, functional, and spatial information, amino acid conservation, physicochemical variation, residue mobility, and thermodynamic stability) performed at Invitae indicates that this missense variant is not expected to disrupt UNC13D protein function. In summary, the available evidence is currently insufficient to determine the role of this variant in disease. Therefore, it has been classified as a Variant of Uncertain Significance.

Revvity Omics, Revvity
Classification: Uncertain significance for Familial hemophagocytic lymphohistiocytosis 3. Last evaluated: 2021-09-07. Review status: criteria provided, single submitter. Criteria: ACMG Guidelines, 2015. Collection method: clinical testing. Allele origin: germline.

Baylor Genetics
Classification: Uncertain significance for Familial hemophagocytic lymphohistiocytosis 3. Last evaluated: 2020-01-17. Review status: criteria provided, single submitter. Criteria: ACMG Guidelines, 2015. Collection method: clinical testing. Allele origin: unknown. Affected: yes.
Comment: This variant was determined to be of uncertain significance according to ACMG Guidelines, 2015 [PMID:25741868].

Fulgent Genetics
Classification: Uncertain significance for Familial hemophagocytic lymphohistiocytosis 3. Last evaluated: 2018-10-31. Review status: criteria provided, single submitter. Criteria: ACMG Guidelines, 2015. Collection method: clinical testing. Allele origin: unknown.

Illumina Laboratory Services, Illumina
Classification: Likely benign for Familial hemophagocytic lymphohistiocytosis 3. Last evaluated: 2017-04-27. Review status: criteria provided, single submitter. Criteria: ICSL Variant Classification Criteria 13 December 2019. Collection method: clinical testing. Allele origin: germline.
Comment: This variant was observed as part of a predisposition screen in an ostensibly healthy population. A literature search was performed for the gene, cDNA change, and amino acid change (where applicable). Publications were found based on this search. The evidence from the literature, in combination with allele frequency data from public databases where available, was sufficient to determine this variant is unlikely to cause disease. Therefore, this variant is classified as likely benign.

Literature cited by the submitters: PubMed 16825436 (cited by 3 submitters); PubMed 26764160 (cited by Mayo Clinic Laboratories, Mayo Clinic); PubMed 32853466 (cited by Mayo Clinic Laboratories, Mayo Clinic); PubMed 18492689 (cited by Labcorp Genetics (formerly Invitae), Labcorp and Illumina Laboratory Services, Illumina).